The following is an entry in ClinVar:

ClinVar aggregate classification (germline): Uncertain significance (1 of 4 stars; one submission).

Conditions:
Familial adenomatous polyposis 1 (FAP1). Also called: FAMILIAL ADENOMATOUS POLYPOSIS 1, ATTENUATED; POLYPOSIS, ADENOMATOUS INTESTINAL. Identifiers: MedGen C2713442, MONDO:0021056, OMIM 175100. Disease mechanism: loss of function.

Submission:

Labcorp Genetics (formerly Invitae), Labcorp
Classification: Uncertain significance for Familial adenomatous polyposis 1. Last evaluated: 2025-06-15. Review status: criteria provided, single submitter. Criteria: Invitae Variant Classification Sherloc (09022015). Collection method: clinical testing. Allele origin: germline.
Comment: This variant occurs in a non-coding region of the APC gene. It does not change the encoded amino acid sequence of the APC protein. This variant is not present in population databases (gnomAD no frequency). This variant has not been reported in the literature in individuals affected with APC-related conditions. Experimental studies and prediction algorithms are not available or were not evaluated, and the functional significance of this variant is currently unknown. In summary, the available evidence is currently insufficient to determine the role of this variant in disease. Therefore, it has been classified as a Variant of Uncertain Significance.

NM_001127511.3(APC):c.-154G>A

Gene: APC (APC regulator of Wnt signaling pathway; plus strand). Cytogenetic location: 5q22.2.
Variant type: single nucleotide variant.
Coding change: c.-154G>A on transcript NM_001127511.3; 154 bases upstream of the start codon, G replaced by A.
Molecular consequence: 5 prime UTR variant. On other transcripts: non-coding transcript variant (2).
Genome position (GRCh38, 1-based): chr5:112,707,564, G>A. VCF-style: chr5-112707564-G-A. GRCh37 (hg19) VCF-style: chr5-112043261-G-A.
Other names: c.-337G>A (NM_001354895.2, NM_001407447.1, NM_001407452.1 and 3 more transcripts); c.-154G>A (NM_001354897.2, NM_001354902.2, NM_001407446.1); c.-104G>A (NM_001407448.1, NM_001407450.1, NM_001407457.1 and 1 more transcripts); c.-128G>A (NM_001407453.1); c.-1372G>A (NM_001407470.1, NM_001407472.1).
Identifiers: ClinVar variation 1025257 (VCV001025257.9), dbSNP rs1750577100, ClinGen allele CA1573442450.